The following is an entry in ClinVar:

NM_002335.4(LRP5):c.1507G>A (p.Gly503Arg)

Gene: LRP5 (LDL receptor related protein 5; plus strand). Cytogenetic location: 11q13.2.
Variant type: single nucleotide variant.
Coding change: c.1507G>A on transcript NM_002335.4 (MANE Select); coding-DNA position 1507, G replaced by A.
Protein change: p.Gly503Arg; replaces glycine 503 with arginine.
Molecular consequence: missense variant. On other transcripts: intron variant (1).
Genome position (GRCh38, 1-based): chr11:68,389,975, G>A. VCF-style: chr11-68389975-G-A. GRCh37 (hg19) VCF-style: chr11-68157443-G-A.
Other names: c.-354+3263G>A (NM_001291902.2); short protein forms G503R.
Identifiers: ClinVar variation 450538 (VCV000450538.9), dbSNP rs766988509, ClinGen allele CA224254719.
Genomic context (GRCh38, chr11:68,389,975, plus strand): 5'-AAAATCGAGTGTGCCAACTTGGATGGGCAGGAGCGGCGTGTGCTGGTCAATGCCTCCCTC[G>A]GGTGGCCCAACGGCCTGGCCCTGGACCTGCAGGAGGGGAAGCTCTACTGGGGAGACGCCA-3'
Protein context (NP_002326.2, residues 493-513): ERRVLVNASL[Gly503Arg]WPNGLALDLQ

ClinVar aggregate classification (germline): Conflicting classifications of pathogenicity. Review status: criteria provided, conflicting classifications (1 of 4 stars). 2 submissions from 2 submitters: Likely pathogenic (1); Uncertain significance (1). Last evaluated 2024-04-24.

Allele frequency attached by ClinVar (database versions not stated): gnomAD exomes below 0.00001 and 0.00001; TOPMed below 0.00001.
gnomAD v4.1: 5 of 1,614,126 alleles (0.00031%); highest among the groups gnomAD compares: Non-Finnish European, 0.00034%; no homozygotes.

Submissions (2):

Labcorp Genetics (formerly Invitae), Labcorp
Classification: Uncertain significance. Last evaluated: 2024-04-24. Review status: criteria provided, single submitter. Criteria: Invitae Variant Classification Sherloc (09022015). Collection method: clinical testing. Allele origin: germline.
Comment: This sequence change replaces glycine, which is neutral and non-polar, with arginine, which is basic and polar, at codon 503 of the LRP5 protein (p.Gly503Arg). This variant is present in population databases (rs766988509, gnomAD 0.002%). This missense change has been observed in individual(s) with familial exudative vitreoretinopathy and/or retinal disease (PMID: 28420620, 36460718). ClinVar contains an entry for this variant (Variation ID: 450538). Advanced modeling of protein sequence and biophysical properties (such as structural, functional, and spatial information, amino acid conservation, physicochemical variation, residue mobility, and thermodynamic stability) has been performed at Invitae for this missense variant, however the output from this modeling did not meet the statistical confidence thresholds required to predict the impact of this variant on LRP5 protein function. Experimental studies have shown that this missense change affects LRP5 function (PMID: 28420620). In summary, the available evidence is currently insufficient to determine the role of this variant in disease. Therefore, it has been classified as a Variant of Uncertain Significance.

GeneDx
Classification: Likely pathogenic. Last evaluated: 2017-07-20. Review status: criteria provided, single submitter. Criteria: GeneDx Variant Classification (06012015). Collection method: clinical testing. Allele origin: germline. Affected: yes.
Comment: The c.1507 G>A variant in the LRP5 gene has not been reported previously as a pathogenic variant nor as a benign variant, to our knowledge. The c.1507 G>A variant is not observed in large population cohorts (Lek et al., 2016; 1000 Genomes Consortium et al., 2015; Exome Variant Server). In silico splice prediction models predict that c.1507 G>A may create a cryptic splice acceptor site in exon 7 that could supplant the natural splice acceptor site. However, in the absence of RNA/functional studies, the actual effect of this sequence change in this individual is unknown. If c.1507 G>A does not alter splicing, it will result in the G503R missense change. The G503R variant is a non-conservative amino acid substitution, which is likely to impact secondary protein structure as these residues differ in polarity, charge, size and/or other properties. This substitution occurs at a position that is conserved across species, and in silico analysis predicts this variant is probably damaging to the protein structure/function. Missense variants in nearby residues (W504C, G507S) have been reported in the Human Gene Mutation Database in association with osteoporosis-pseudoglioma syndrome (Stenson et al., 2014), supporting the functional importance of this region of the protein. We interpret c.1507 G>A as a likely pathogenic variant.

Literature cited by the submitters: PubMed 28420620 (cited by Labcorp Genetics (formerly Invitae), Labcorp); PubMed 36460718 (cited by Labcorp Genetics (formerly Invitae), Labcorp).